The following is an entry in ClinVar:

NM_000059.4(BRCA2):c.4672A>C (p.Ser1558Arg)

Gene: BRCA2 (BRCA2 DNA repair associated; plus strand). Cytogenetic location: 13q13.1.
Variant type: single nucleotide variant.
Coding change: c.4672A>C on transcript NM_000059.4 (MANE Select); coding-DNA position 4672, A replaced by C.
Protein change: p.Ser1558Arg; replaces serine 1558 with arginine.
Molecular consequence: missense variant.
Genome position (GRCh38, 1-based): chr13:32,339,027, A>C. VCF-style: chr13-32339027-A-C. GRCh37 (hg19) VCF-style: chr13-32913164-A-C.
Other names: short protein forms S1558R.
Identifiers: ClinVar variation 142923 (VCV000142923.30), dbSNP rs587782822, ClinGen allele CA020625.

ClinVar aggregate classification (germline): Conflicting classifications of pathogenicity. Review status: criteria provided, conflicting classifications (1 of 4 stars). 9 submissions from 9 submitters: Uncertain significance (6); Likely benign (2). 1 of the submissions does not count toward it. Last evaluated 2025-12-23.

Conditions:
Hereditary cancer-predisposing syndrome. Also called: Tumor predisposition; Neoplastic Syndromes, Hereditary; Hereditary neoplastic syndrome; Hereditary Cancer Syndrome. Identifiers: Orphanet 140162, MedGen C0027672, MeSH D009386, MONDO:0015356.
Hereditary breast ovarian cancer syndrome. Also called: Hereditary breast and ovarian cancer; Hereditary breast and ovarian cancer syndrome (HBOC); Hereditary breast and ovarian cancer syndrome; BRCA1- and BRCA2-Associated Hereditary Breast and Ovarian Cancer; Breast and ovarian cancer; Hereditary breast and/or ovarian cancer syndrome. Identifiers: Orphanet 145, MedGen C0677776, MeSH D061325, MONDO:0003582. Disease mechanism: loss of function.
Breast-ovarian cancer, familial, susceptibility to, 2 (BROVCA2). Also called: BRCA2 Hereditary Breast and Ovarian Cancer. Identifiers: Orphanet 145, MedGen C2675520, MONDO:0012933, OMIM 612555. Disease mechanism: loss of function.

Allele frequency attached by ClinVar (database versions not stated): gnomAD 0.00001; gnomAD exomes 0.00001; TOPMed 0.00001.
gnomAD v4.1: 5 of 1,613,934 alleles (0.00031%); highest among the groups gnomAD compares: Non-Finnish European, 0.00042%; no homozygotes.

Submissions (9):

Labcorp Genetics (formerly Invitae), Labcorp
Classification: Uncertain significance for Hereditary breast ovarian cancer syndrome. Last evaluated: 2025-12-23. Review status: criteria provided, single submitter. Criteria: Invitae Variant Classification Sherloc (09022015). Collection method: clinical testing. Allele origin: germline.
Comment: This sequence change replaces serine, which is neutral and polar, with arginine, which is basic and polar, at codon 1558 of the BRCA2 protein (p.Ser1558Arg). This variant is present in population databases (rs587782822, gnomAD 0.002%). This variant has not been reported in the literature in individuals affected with BRCA2-related conditions. ClinVar contains an entry for this variant (Variation ID: 142923). Invitae Evidence Modeling of protein sequence and biophysical properties (such as structural, functional, and spatial information, amino acid conservation, physicochemical variation, residue mobility, and thermodynamic stability) indicates that this missense variant is not expected to disrupt BRCA2 protein function with a negative predictive value of 95%. In summary, the available evidence is currently insufficient to determine the role of this variant in disease. Therefore, it has been classified as a Variant of Uncertain Significance.

Color Diagnostics, LLC DBA Color Health
Classification: Uncertain significance for Hereditary cancer-predisposing syndrome. Last evaluated: 2025-03-17. Review status: criteria provided, single submitter. Criteria: ACMG Guidelines, 2015. Collection method: clinical testing. Allele origin: germline.
Comment: This missense variant replaces serine with arginine at codon 1558 of the BRCA2 protein. Computational prediction suggests that this variant may not impact protein structure and function. To our knowledge, functional studies have not been reported for this variant. A multifactorial analysis has reported a likelihood ratio for pathogenicity based on personal and family history of 3.694 from log(LR)=0.567531407 for 2 carriers (PMID: 31853058). This variant has been identified in 2/251004 chromosomes in the general population by the Genome Aggregation Database (gnomAD). The available evidence is insufficient to determine the role of this variant in disease conclusively. Therefore, this variant is classified as a Variant of Uncertain Significance.

All of Us Research Program, National Institutes of Health
Classification: Uncertain significance for Breast-ovarian cancer, familial, susceptibility to, 2. Last evaluated: 2023-11-20. Review status: criteria provided, single submitter. Criteria: ACMG Guidelines, 2015. Collection method: clinical testing. Allele origin: germline. Inheritance: Autosomal dominant inheritance. Observed: 3 variant alleles, 3 heterozygotes.
Comment: This missense variant replaces serine with arginine at codon 1558 of the BRCA2 protein. Computational prediction suggests that this variant may not impact protein structure and function (internally defined REVEL score threshold <= 0.5, PMID: 27666373). Splice site prediction tools suggest that this variant may not impact RNA splicing. To our knowledge, functional studies have not been reported for this variant. This variant has not been reported in individuals affected with hereditary cancer in the literature. This variant has been identified in 2/251004 chromosomes in the general population by the Genome Aggregation Database (gnomAD). The available evidence is insufficient to determine the role of this variant in disease conclusively. Therefore, this variant is classified as a Variant of Uncertain Significance.

This study involves interpretation of variants in research participants for the purpose of population health screening. Participant phenotype was not available at the time of variant classification. Additional details can be found in publication PMID: 35346344, PMCID: PMC8962531

Women's Health and Genetics/Laboratory Corporation of America, LabCorp
Classification: Uncertain significance. Last evaluated: 2023-11-08. Review status: criteria provided, single submitter. Criteria: LabCorp Variant Classification Summary - May 2015. Collection method: clinical testing. Allele origin: germline.
Comment: Variant summary: BRCA2 c.4672A>C (p.Ser1558Arg) results in a non-conservative amino acid change in the encoded protein sequence. Four of five in-silico tools predict a benign effect of the variant on protein function. The variant allele was found at a frequency of 8e-06 in 251004 control chromosomes. The available data on variant occurrences in the general population are insufficient to allow any conclusion about variant significance. To our knowledge, no occurrence of c.4672A>C in individuals affected with Hereditary Breast And Ovarian Cancer Syndrome and no experimental evidence demonstrating its impact on protein function have been reported. Seven submitters have cited clinical-significance assessments for this variant to ClinVar after 2014. Five submitters classified the variant as uncertain significance and two classified it as likely benign. Based on the evidence outlined above, the variant was classified as uncertain significance.

GeneDx
Classification: Uncertain significance. Last evaluated: 2023-10-20. Review status: criteria provided, single submitter. Criteria: GeneDx Variant Classification Process June 2021. Collection method: clinical testing. Allele origin: germline. Affected: yes.
Comment: Observed in individuals undergoing multi-gene panel testing; however, no information on clinical history was provided (PMID: 31853058); Not observed at significant frequency in large population cohorts (gnomAD); In silico analysis supports that this missense variant does not alter protein structure/function; Also known as 4900A>C; This variant is associated with the following publications: (PMID: 29884841, 32377563, 31853058)

University of Washington Department of Laboratory Medicine, University of Washington
Classification: Likely benign for Hereditary cancer-predisposing syndrome. Last evaluated: 2023-03-23. Review status: criteria provided, single submitter. Criteria: Dines et al. (Genet Med. 2020). Collection method: curation. Allele origin: germline.
Comment: Missense variant in a coldspot region where missense variants are very unlikely to be pathogenic (PMID:31911673).

BRCA2 exon 11 coldspot. Reclassification based on statistical prior probability.

Genetic Services Laboratory, University of Chicago
Classification: Uncertain significance. Last evaluated: 2020-03-17. Review status: criteria provided, single submitter. Criteria: ACMG Guidelines, 2015. Collection method: clinical testing. Allele origin: germline. Affected: no.
Comment: DNA sequence analysis of the BRCA2 gene demonstrated a sequence change, c.4672A>C, in exon 11 that results in an amino acid change, p.Ser1558Arg. This sequence change has been described in the gnomAD database in two individuals (dbSNP rs587782822) and has been reported in a single individual with breast cancer (PMID: 21520333). The p.Ser1558Arg change affects a poorly conserved amino acid residue located in a domain of the BRCA2 protein that is known to be functional. The p.Ser1558Arg substitution appears to be benign using several in-silico pathogenicity prediction tools (SIFT, PolyPhen2, Align GVGD, REVEL). Due to these contrasting evidences and the lack of functional studies, the clinical significance of the p.Ser1558Arg change remains unknown at this time.

Ambry Genetics
Classification: Likely benign for Hereditary cancer-predisposing syndrome. Last evaluated: 2019-12-06. Review status: criteria provided, single submitter. Criteria: Ambry Variant Classification Scheme 2023. Collection method: clinical testing. Allele origin: germline.

Counsyl
Classification: Uncertain significance for Breast-ovarian cancer, familial, susceptibility to, 2. Last evaluated: 2016-09-27. Review status: no assertion criteria provided. Collection method: clinical testing. Allele origin: unknown. Not counted in ClinVar's aggregate classification.

Literature cited by the submitters: PubMed 31853058 (cited by Color Diagnostics, LLC DBA Color Health).